The following is an entry in ClinVar:

ClinVar aggregate classification (germline): Likely benign (0 of 4 stars; one submission).

Conditions:
CRB2-related disorder. Also called: CRB2-related disorders; CRB2-related condition.

gnomAD v4.1: 2 of 1,613,196 alleles (0.00012%); highest among the groups gnomAD compares: East Asian, 0.0045%; no homozygotes.

Submission:

PreventionGenetics, part of Exact Sciences
Classification: Likely benign for CRB2-related condition. Last evaluated: 2022-06-14. Review status: no assertion criteria provided. Collection method: clinical testing. Allele origin: germline.
Comment: This variant is classified as likely benign based on ACMG/AMP sequence variant interpretation guidelines (Richards et al. 2015 PMID: 25741868, with internal and published modifications).

NM_173689.7(CRB2):c.1170G>A (p.Gly390=)

Gene: CRB2 (crumbs cell polarity complex component 2; plus strand). Cytogenetic location: 9q33.3.
Variant type: single nucleotide variant.
Coding change: c.1170G>A on transcript NM_173689.7 (MANE Select); coding-DNA position 1170, G replaced by A.
Protein change: p.Gly390=; no amino-acid change (glycine 390 retained).
Molecular consequence: synonymous variant. On other transcripts: non-coding transcript variant (1).
Genome position (GRCh38, 1-based): chr9:123,370,223, G>A. VCF-style: chr9-123370223-G-A. GRCh37 (hg19) VCF-style: chr9-126132502-G-A.
Identifiers: ClinVar variation 3044544 (VCV003044544.2), dbSNP rs1201707992, ClinGen allele CA467205145.